The following is an entry in ClinVar:

ClinVar aggregate classification (germline): Uncertain significance (1 of 4 stars; one submission).

Conditions:
Malignant hyperthermia, susceptibility to, 5 (MHS5). Also called: CACNA1S-Related Malignant Hyperthermia Susceptibility. Identifiers: Orphanet 423, MedGen C1866077, MONDO:0011163, OMIM 601887.

gnomAD v4.1: 1 of 1,613,874 alleles (0.000062%); highest among the groups gnomAD compares: South Asian, 0.0011%; no homozygotes.

Submission:

Color Diagnostics, LLC DBA Color Health
Classification: Uncertain significance for Malignant hyperthermia, susceptibility to, 5. Last evaluated: 2025-06-24. Review status: criteria provided, single submitter. Criteria: ACMG Guidelines, 2015. Collection method: clinical testing. Allele origin: germline.
Comment: This variant changes 1 nucleotide in exon 12 of the CACNA1S gene, creating a premature translation stop signal. This variant is expected to result in an absent or non-functional protein product. To our knowledge, this variant has not been reported in individuals affected with CACNA1S-related disorders in the literature. This variant has been identified in 1/251054 chromosomes in the general population by the Genome Aggregation Database (gnomAD). Loss of CACNA1S function due to haploinsufficiency is not an established disease mechanism for autosomal dominant malignant hyperthermia susceptibility. Due to insufficient evidence, this variant is classified as a Variant of Uncertain Significance for autosomal dominant malignant hyperthermia.

NM_000069.3(CACNA1S):c.1626G>A (p.Trp542Ter)

Gene: CACNA1S (calcium voltage-gated channel subunit alpha1 S; minus strand). Cytogenetic location: 1q32.1.
Variant type: single nucleotide variant.
Coding change: c.1626G>A on transcript NM_000069.3 (MANE Select); coding-DNA position 1626, G replaced by A.
Protein change: p.Trp542Ter; replaces tryptophan 542 with a stop codon.
Molecular consequence: nonsense.
Genome position (GRCh38, 1-based): chr1:201,077,121, C>T on the plus strand (G>A on the coding strand, the complement: CACNA1S is on the minus strand). VCF-style: chr1-201077121-C-T. GRCh37 (hg19) VCF-style: chr1-201046249-C-T.
Other names: short protein forms W542*.
Identifiers: ClinVar variation 4757164 (VCV004757164.1).